The following is an entry in ClinVar:

NM_001367624.2(ZNF469):c.941C>T (p.Pro314Leu)

Gene: ZNF469 (zinc finger protein 469; plus strand). Cytogenetic location: 16q24.2.
Variant type: single nucleotide variant.
Coding change: c.941C>T on transcript NM_001367624.2 (MANE Select); coding-DNA position 941, C replaced by T.
Protein change: p.Pro314Leu; replaces proline 314 with leucine.
Molecular consequence: missense variant.
Genome position (GRCh38, 1-based): chr16:88,428,411, C>T. VCF-style: chr16-88428411-C-T. GRCh37 (hg19) VCF-style: chr16-88494819-C-T.
Other names: NM_001127464.1:c.941C>T; NM_001127464.2:c.941C>T; p.Pro314Leu; short protein forms P314L.
Identifiers: ClinVar variation 1444075 (VCV001444075.35), dbSNP rs777666112, ClinGen allele CA8224639.

ClinVar aggregate classification (germline): Uncertain significance. Review status: criteria provided, multiple submitters, no conflicts (2 of 4 stars). 7 submissions from 7 submitters: Uncertain significance (7). Last evaluated 2026-09-03.

Conditions:
Brittle cornea syndrome 1 (BCS1). Also called: CORNEAL FRAGILITY, KERATOGLOBUS, BLUE SCLERAE, JOINT HYPEREXTENSIBILITY; EDS6B; DYSGENESIS MESODERMALIS CORNEAE ET SCLERAE; Corneal fragility keratoglobus, blue sclerae AND joint hypermobility; FRAGILITAS OCULI WITH JOINT HYPEREXTENSIBILITY. Identifiers: Orphanet 90354, MedGen C0268344, MONDO:0024543, OMIM 229200.
Cardiovascular phenotype. Identifiers: MedGen CN230736.

Allele frequency attached by ClinVar (database versions not stated): TOPMed 0.00010; gnomAD 0.00013.
gnomAD v4.1: 141 of 1,548,072 alleles (0.0091%); highest among the groups gnomAD compares: Middle Eastern, 0.017%; no homozygotes.

Submissions (7):

GeneDx
Classification: Uncertain significance. Last evaluated: 2026-09-03. Review status: criteria provided, single submitter. Criteria: GeneDx Variant Classification Process June 2021. Collection method: clinical testing. Allele origin: germline.
Comment: Has not been previously published as pathogenic or benign to our knowledge; In silico analysis supports that this missense variant has a deleterious effect on protein structure/function; Not observed at significant frequency in large population cohorts (gnomAD)

Women's Health and Genetics/Laboratory Corporation of America, LabCorp
Classification: Uncertain significance. Last evaluated: 2025-07-09. Review status: criteria provided, single submitter. Criteria: LabCorp Variant Classification Summary - May 2015. Collection method: clinical testing. Allele origin: germline.
Comment: Variant summary: ZNF469 c.941C>T (p.Pro314Leu) results in a non-conservative amino acid change in the encoded protein sequence. Algorithms developed to predict the effect of missense changes on protein structure and function are either unavailable or do not agree on the potential impact of this missense change. The variant allele was found at a frequency of 5.4e-05 in 148636 control chromosomes. The available data on variant occurrences in the general population are insufficient to allow any conclusion about variant significance. To our knowledge, no occurrence of c.941C>T in individuals affected with Brittle cornea syndrome 1 and no experimental evidence demonstrating its impact on protein function have been reported. ClinVar contains an entry for this variant (Variation ID: 1444075). Based on the evidence outlined above, the variant was classified as uncertain significance.

Mayo Clinic Laboratories, Mayo Clinic
Classification: Uncertain significance. Last evaluated: 2024-12-19. Review status: criteria provided, single submitter. Criteria: ACMG Guidelines, 2015. Collection method: clinical testing. Allele origin: germline. Observed: 2 variant alleles.
Comment: BP4_moderate

Ambry Genetics
Classification: Uncertain significance for Cardiovascular phenotype. Last evaluated: 2024-07-28. Review status: criteria provided, single submitter. Criteria: Ambry Variant Classification Scheme 2023. Collection method: clinical testing. Allele origin: germline.
Comment: The p.P314L variant (also known as c.941C>T), located in coding exon 1 of the ZNF469 gene, results from a C to T substitution at nucleotide position 941. The proline at codon 314 is replaced by leucine, an amino acid with similar properties. This amino acid position is not well conserved in available vertebrate species, and lysine is the reference amino acid in other vertebrate species. In addition, this alteration is predicted to be tolerated by in silico analysis. Since supporting evidence is limited at this time, the clinical significance of this alteration remains unclear.

CeGaT Center for Human Genetics Tuebingen
Classification: Uncertain significance. Last evaluated: 2023-04-01. Review status: criteria provided, single submitter. Criteria: CeGaT Center For Human Genetics Tuebingen Variant Classification Criteria Version 2. Collection method: clinical testing. Allele origin: germline. Affected: yes. Observed: 1 variant allele.
Comment: ZNF469: PM2

Labcorp Genetics (formerly Invitae), Labcorp
Classification: Uncertain significance. Last evaluated: 2022-09-01. Review status: criteria provided, single submitter. Criteria: Invitae Variant Classification Sherloc (09022015). Collection method: clinical testing. Allele origin: germline.
Comment: This sequence change replaces proline, which is neutral and non-polar, with leucine, which is neutral and non-polar, at codon 314 of the ZNF469 protein (p.Pro314Leu). This variant is present in population databases (rs777666112, gnomAD 0.01%). This variant has not been reported in the literature in individuals affected with ZNF469-related conditions. ClinVar contains an entry for this variant (Variation ID: 1444075). Algorithms developed to predict the effect of missense changes on protein structure and function are either unavailable or do not agree on the potential impact of this missense change (SIFT: "Deleterious"; PolyPhen-2: "Benign"; Align-GVGD: "Class C0"). In summary, the available evidence is currently insufficient to determine the role of this variant in disease. Therefore, it has been classified as a Variant of Uncertain Significance.

Fulgent Genetics
Classification: Uncertain significance for Brittle cornea syndrome 1. Last evaluated: 2021-07-01. Review status: criteria provided, single submitter. Criteria: ACMG Guidelines, 2015. Collection method: clinical testing. Allele origin: unknown.